The following is an entry in ClinVar:

ClinVar aggregate classification (germline): Uncertain significance. Review status: criteria provided, multiple submitters, no conflicts (2 of 4 stars). 4 submissions from 4 submitters: Uncertain significance (4). Last evaluated 2025-03-11.

Conditions:
Inborn genetic diseases. Identifiers: MedGen C0950123, MeSH D030342.
Acute myeloid leukemia (AML). Also called: Leukemia, acute myeloid, somatic; Leukemia, acute myelogenous, somatic; Acute myeloid leukemia, adult; AML adult; Acute non-lymphocytic leukemia; Acute granulocytic leukemia. Identifiers: Orphanet 519, MedGen C0023467, MeSH D015470, MONDO:0018874, OMIM 601626, HP:0004808. Disease mechanism: Constitutively activated FLT3.

Allele frequency attached by ClinVar (database versions not stated): gnomAD exomes below 0.00001 and 0.00001; gnomAD 0.00001; TOPMed 0.00002; 1000 Genomes Project 30x 0.00016.
gnomAD v4.1: 3 of 1,477,106 alleles (0.0002%); highest among the groups gnomAD compares: African/African-American, 0.0029%; no homozygotes.

Submissions (4):

Ambry Genetics
Classification: Uncertain significance for Inborn genetic diseases. Last evaluated: 2025-03-11. Review status: criteria provided, single submitter. Criteria: Ambry Variant Classification Scheme 2023. Collection method: clinical testing. Allele origin: germline.
Comment: The p.F82L variant (also known as c.246C>A), located in coding exon 1 of the CEBPA gene, results from a C to A substitution at nucleotide position 246. The phenylalanine at codon 82 is replaced by leucine, an amino acid with highly similar properties. This amino acid position is well conserved in available vertebrate species. In addition, this alteration is predicted to be tolerated by in silico analysis. Based on the available evidence, the clinical significance of this variant remains unclear.

Labcorp Genetics (formerly Invitae), Labcorp
Classification: Uncertain significance for Acute myeloid leukemia. Last evaluated: 2024-08-21. Review status: criteria provided, single submitter. Criteria: Invitae Variant Classification Sherloc (09022015). Collection method: clinical testing. Allele origin: germline.
Comment: This sequence change replaces phenylalanine, which is neutral and non-polar, with leucine, which is neutral and non-polar, at codon 82 of the CEBPA protein (p.Phe82Leu). The frequency data for this variant in the population databases is considered unreliable, as metrics indicate poor data quality at this position in the gnomAD database. This variant has not been reported in the literature in individuals affected with CEBPA-related conditions. ClinVar contains an entry for this variant (Variation ID: 434685). Invitae Evidence Modeling of protein sequence and biophysical properties (such as structural, functional, and spatial information, amino acid conservation, physicochemical variation, residue mobility, and thermodynamic stability) indicates that this missense variant is not expected to disrupt CEBPA protein function with a negative predictive value of 80%. In summary, the available evidence is currently insufficient to determine the role of this variant in disease. Therefore, it has been classified as a Variant of Uncertain Significance.

Baylor Genetics
Classification: Uncertain significance for Acute myeloid leukemia. Last evaluated: 2023-08-05. Review status: criteria provided, single submitter. Criteria: ACMG Guidelines, 2015. Collection method: clinical testing. Allele origin: unknown.

Genetic Services Laboratory, University of Chicago
Classification: Uncertain significance. Last evaluated: 2016-11-21. Review status: criteria provided, single submitter. Criteria: ACMG Guidelines, 2015. Collection method: clinical testing. Allele origin: germline. Affected: no.

NM_004364.5(CEBPA):c.246C>A (p.Phe82Leu)

Gene: CEBPA (CCAAT enhancer binding protein alpha; minus strand). Cytogenetic location: 19q13.11.
Variant type: single nucleotide variant.
Coding change: c.246C>A on transcript NM_004364.5 (MANE Select); coding-DNA position 246, C replaced by A.
Protein change: p.Phe82Leu; replaces phenylalanine 82 with leucine.
Molecular consequence: missense variant. On other transcripts: 5 prime UTR variant (1).
Genome position (GRCh38, 1-based): chr19:33,302,169, G>T on the plus strand (C>A on the coding strand, the complement: CEBPA is on the minus strand). VCF-style: chr19-33302169-G-T. GRCh37 (hg19) VCF-style: chr19-33793075-G-T.
Other names: c.-112C>A (NM_001285829.2); c.351C>A, p.Phe117Leu (NM_001287424.2); c.204C>A, p.Phe68Leu (NM_001287435.2); c.246C>A (NM_004364.3); short protein forms F82L, F117L, F68L.
Identifiers: ClinVar variation 434685 (VCV000434685.15), dbSNP rs917977456, ClinGen allele CA307844400.